The following is an entry in ClinVar:

ClinVar aggregate classification (germline): Uncertain significance (1 of 4 stars; one submission).

Conditions:
Hereditary cancer-predisposing syndrome. Also called: Neoplastic Syndromes, Hereditary; Tumor predisposition; Hereditary Cancer Syndrome; Hereditary neoplastic syndrome. Identifiers: Orphanet 140162, MedGen C0027672, MeSH D009386, MONDO:0015356.

Submission:

Ambry Genetics
Classification: Uncertain significance for Hereditary cancer-predisposing syndrome. Last evaluated: 2019-10-05. Review status: criteria provided, single submitter. Criteria: Ambry Variant Classification Scheme 2023. Collection method: clinical testing. Allele origin: germline.
Comment: The p.E1311D variant (also known as c.3933A>T), located in coding exon 9 of the MSH6 gene, results from an A to T substitution at nucleotide position 3933. The glutamic acid at codon 1311 is replaced by aspartic acid, an amino acid with highly similar properties. This amino acid position is well conserved in available vertebrate species. In addition, this alteration is predicted to be tolerated by in silico analysis. Since supporting evidence is limited at this time, the clinical significance of this alteration remains unclear.

NM_000179.3(MSH6):c.3933A>T (p.Glu1311Asp)

Gene: MSH6 (mutS homolog 6; plus strand). Cytogenetic location: 2p16.3.
Variant type: single nucleotide variant.
Coding change: c.3933A>T on transcript NM_000179.3 (MANE Select); coding-DNA position 3933, A replaced by T.
Protein change: p.Glu1311Asp; replaces glutamic acid 1311 with aspartic acid.
Molecular consequence: missense variant.
Genome position (GRCh38, 1-based): chr2:47,806,583, A>T. VCF-style: chr2-47806583-A-T. GRCh37 (hg19) VCF-style: chr2-48033722-A-T.
Other names: c.3543A>T, p.Glu1181Asp (NM_001281492.2); c.3027A>T, p.Glu1009Asp (NM_001281493.2, NM_001281494.2, NM_001406823.1 and 6 more transcripts); c.4029A>T, p.Glu1343Asp (NM_001406795.1); c.3933A>T, p.Glu1311Asp (NM_001406796.1, NM_001406808.1, NM_001406809.1); c.3636A>T, p.Glu1212Asp (NM_001406797.1, NM_001406801.1, NM_001406805.1 and 10 more transcripts); c.3759A>T, p.Glu1253Asp (NM_001406798.1); c.3408A>T, p.Glu1136Asp (NM_001406799.1, NM_001406806.1, NM_001406807.1); c.3920A>T, p.Lys1307Met (NM_001406800.1); and 8 more; short protein forms E1285D, E1311D, E1181D, E1255D, E1313D, E238D, E789D, E1023D.
Identifiers: ClinVar variation 1736284 (VCV001736284.2), dbSNP rs143331529, ClinGen allele CA346761486.